The following is an entry in ClinVar:

ClinVar aggregate classification (germline): Uncertain significance (1 of 4 stars; one submission).

Conditions:
Arrhythmogenic right ventricular dysplasia 11. Also called: Arrhythmogenic Right Ventricular Dysplasia/Cardiomyopathy11; ARRHYTHMOGENIC RIGHT VENTRICULAR DYSPLASIA, FAMILIAL, 11; Arrhythmogenic right ventricular dysplasia 11 with mild palmoplantar keratoderma and woolly hair. Identifiers: MedGen C1864850, MONDO:0012506, OMIM 610476.

Submission:

Labcorp Genetics (formerly Invitae), Labcorp
Classification: Uncertain significance for Arrhythmogenic right ventricular dysplasia 11. Last evaluated: 2023-11-15. Review status: criteria provided, single submitter. Criteria: Invitae Variant Classification Sherloc (09022015). Collection method: clinical testing. Allele origin: germline.
Comment: This sequence change replaces aspartic acid, which is acidic and polar, with asparagine, which is neutral and polar, at codon 271 of the DSC2 protein (p.Asp271Asn). This variant is not present in population databases (gnomAD no frequency). This variant has not been reported in the literature in individuals affected with DSC2-related conditions. Advanced modeling of protein sequence and biophysical properties (such as structural, functional, and spatial information, amino acid conservation, physicochemical variation, residue mobility, and thermodynamic stability) performed at Invitae indicates that this missense variant is expected to disrupt DSC2 protein function with a positive predictive value of 80%. In summary, the available evidence is currently insufficient to determine the role of this variant in disease. Therefore, it has been classified as a Variant of Uncertain Significance.

NM_024422.6(DSC2):c.811G>A (p.Asp271Asn)

Gene: DSC2 (desmocollin 2; minus strand). Cytogenetic location: 18q12.1.
Variant type: single nucleotide variant.
Coding change: c.811G>A on transcript NM_024422.6 (MANE Select); coding-DNA position 811, G replaced by A.
Protein change: p.Asp271Asn; replaces aspartic acid 271 with asparagine.
Molecular consequence: missense variant.
Genome position (GRCh38, 1-based): chr18:31,086,707, C>T on the plus strand (G>A on the coding strand, the complement: DSC2 is on the minus strand). VCF-style: chr18-31086707-C-T. GRCh37 (hg19) VCF-style: chr18-28666670-C-T.
Other names: c.382G>A, p.Asp128Asn (NM_001406506.1, NM_001406507.1); c.811G>A, p.Asp271Asn (NM_004949.5); short protein forms D128N, D271N.
Identifiers: ClinVar variation 2694359 (VCV002694359.3), dbSNP rs2510951367, ClinGen allele CA402112251.
Genomic context (GRCh38, chr18:31,086,707, plus strand): 5'-ATGGTGGCACCTGCCCAATGATGGAGTACTTCAGGCGTGTGTGCATCGTGTCAGGCTCAT[C>T]TTTGTCAGTAGCACACACTTGTCCCACAGTAGTGCCTAGAGAAGAAAAGTCCTTTTTAAT-3'
Protein context (NP_077740.1, residues 261-281): TVGQVCATDK[Asp271Asn]EPDTMHTRLK